The following is an entry in ClinVar:

NM_012424.6(RPS6KC1):c.2209A>G (p.Ser737Gly)

Gene: RPS6KC1 (ribosomal protein S6 kinase C1; plus strand). Cytogenetic location: 1q32.3.
Variant type: single nucleotide variant.
Coding change: c.2209A>G on transcript NM_012424.6 (MANE Select); coding-DNA position 2209, A replaced by G.
Protein change: p.Ser737Gly; replaces serine 737 with glycine.
Molecular consequence: missense variant. On other transcripts: non-coding transcript variant (4).
Genome position (GRCh38, 1-based): chr1:213,241,685, A>G. VCF-style: chr1-213241685-A-G. GRCh37 (hg19) VCF-style: chr1-213415028-A-G.
Other names: c.2173A>G, p.Ser725Gly (NM_001136138.4); c.1573A>G, p.Ser525Gly (NM_001287218.3, NM_001287219.3, NM_001349654.2); c.814A>G, p.Ser272Gly (NM_001287220.3, NM_001349663.2, NM_001349664.2 and 8 more transcripts); c.1666A>G, p.Ser556Gly (NM_001287221.3, NM_001349648.2, NM_001349649.2 and 4 more transcripts); c.2116A>G, p.Ser706Gly (NM_001349646.2); c.1846A>G, p.Ser616Gly (NM_001349647.2); c.1318A>G, p.Ser440Gly (NM_001349657.2, NM_001349658.2); c.1153A>G, p.Ser385Gly (NM_001349659.2, NM_001349660.2, NM_001349661.2 and 1 more transcripts); short protein forms S385G, S272G, S440G, S706G, S725G, S525G, S556G, S616G.
Identifiers: ClinVar variation 1377577 (VCV001377577.6), dbSNP rs1573542573, ClinGen allele CA344891315.

ClinVar aggregate classification (germline): Uncertain significance (1 of 4 stars; one submission).

Submission:

Labcorp Genetics (formerly Invitae), Labcorp
Classification: Uncertain significance. Last evaluated: 2025-10-01. Review status: criteria provided, single submitter. Criteria: Invitae Variant Classification Sherloc (09022015). Collection method: clinical testing. Allele origin: germline.
Comment: This sequence change replaces serine, which is neutral and polar, with glycine, which is neutral and non-polar, at codon 737 of the RPS6KC1 protein (p.Ser737Gly). This variant is not present in population databases (gnomAD no frequency). This variant has not been reported in the literature in individuals affected with RPS6KC1-related conditions. ClinVar contains an entry for this variant (Variation ID: 1377577). An algorithm developed to predict the effect of missense changes on protein structure and function (PolyPhen-2) suggests that this variant is likely to be tolerated. In summary, the available evidence is currently insufficient to determine the role of this variant in disease. Therefore, it has been classified as a Variant of Uncertain Significance.